The following is an entry in ClinVar:

ClinVar aggregate classification (germline): Uncertain significance (1 of 4 stars; one submission).

Submission:

GeneDx
Classification: Uncertain significance. Last evaluated: 2023-05-22. Review status: criteria provided, single submitter. Criteria: GeneDx Variant Classification Process June 2021. Collection method: clinical testing. Allele origin: germline. Affected: yes.
Comment: Not observed at significant frequency in large population cohorts (gnomAD); In silico analysis supports that this missense variant has a deleterious effect on protein structure/function; Has not been previously published as pathogenic or benign to our knowledge

NM_015981.4(CAMK2A):c.28A>G (p.Thr10Ala)

Gene: CAMK2A (calcium/calmodulin dependent protein kinase II alpha; minus strand). Cytogenetic location: 5q32.
Variant type: single nucleotide variant.
Coding change: c.28A>G on transcript NM_015981.4 (MANE Select); coding-DNA position 28, A replaced by G.
Protein change: p.Thr10Ala; replaces threonine 10 with alanine.
Molecular consequence: missense variant.
Genome position (GRCh38, 1-based): chr5:150,289,598, T>C on the plus strand (A>G on the coding strand, the complement: CAMK2A is on the minus strand). VCF-style: chr5-150289598-T-C. GRCh37 (hg19) VCF-style: chr5-149669161-T-C.
Other names: c.28A>G, p.Thr10Ala (NM_001363989.1, NM_001363990.1, NM_001369025.2 and 1 more transcripts); short protein forms T10A.
Identifiers: ClinVar variation 3361962 (VCV003361962.1).
Genomic context (GRCh38, chr5:150,289,598, plus strand): 5'-CCAGGACTTCCTGAGGCACAACTCACTTGCCCAATTCCTCGAAGAGCTGGTACTCTTCCG[T>C]GAAGCGGGTGCAGGTGATGGTGGCCATCCTGGCGCTGGGCAGGCAGGTGAGGCTTGGGAC-3'
Protein context (NP_057065.2, residues 1-20): MATITCTRF[Thr10Ala]EEYQLFEELG